The following is an entry in ClinVar:

NM_017950.4(CCDC40):c.1591G>A (p.Asp531Asn)

Gene: CCDC40 (coiled-coil domain 40 molecular ruler complex subunit; plus strand). Cytogenetic location: 17q25.3.
Variant type: single nucleotide variant.
Coding change: c.1591G>A on transcript NM_017950.4 (MANE Select); coding-DNA position 1591, G replaced by A.
Protein change: p.Asp531Asn; replaces aspartic acid 531 with asparagine.
Molecular consequence: missense variant.
Genome position (GRCh38, 1-based): chr17:80,081,574, G>A. VCF-style: chr17-80081574-G-A. GRCh37 (hg19) VCF-style: chr17-78055373-G-A.
Other names: c.1591G>A, p.Asp531Asn (NM_001243342.2); short protein forms D531N.
Identifiers: ClinVar variation 571891 (VCV000571891.9), dbSNP rs758243927, ClinGen allele CA8813979.

ClinVar aggregate classification (germline): Conflicting classifications of pathogenicity. Review status: criteria provided, conflicting classifications (1 of 4 stars). 2 submissions from 2 submitters: Uncertain significance (1); Likely benign (1). Last evaluated 2023-05-18.

Conditions:
Primary ciliary dyskinesia. Also called: Ciliary dyskinesia. Identifiers: Orphanet 244, MedGen C0008780, MONDO:0016575, HP:0012265.

Allele frequency attached by ClinVar (database versions not stated): gnomAD exomes 0.00008; TOPMed 0.00009.
gnomAD v4.1: 55 of 1,613,680 alleles (0.0034%); highest among the groups gnomAD compares: East Asian, 0.056%; no homozygotes.

Submissions (2):

Ambry Genetics
Classification: Likely benign for Primary ciliary dyskinesia. Last evaluated: 2023-05-18. Review status: criteria provided, single submitter. Criteria: Ambry Variant Classification Scheme 2023. Collection method: clinical testing. Allele origin: germline.

Labcorp Genetics (formerly Invitae), Labcorp
Classification: Uncertain significance for Primary ciliary dyskinesia. Last evaluated: 2022-06-10. Review status: criteria provided, single submitter. Criteria: Invitae Variant Classification Sherloc (09022015). Collection method: clinical testing. Allele origin: germline.
Comment: This sequence change replaces aspartic acid, which is acidic and polar, with asparagine, which is neutral and polar, at codon 531 of the CCDC40 protein (p.Asp531Asn). This variant is present in population databases (rs758243927, gnomAD 0.09%). This variant has not been reported in the literature in individuals affected with CCDC40-related conditions. ClinVar contains an entry for this variant (Variation ID: 571891). Algorithms developed to predict the effect of missense changes on protein structure and function output the following: SIFT: "Tolerated"; PolyPhen-2: "Benign"; Align-GVGD: "Class C0". The asparagine amino acid residue is found in multiple mammalian species, which suggests that this missense change does not adversely affect protein function. In summary, the available evidence is currently insufficient to determine the role of this variant in disease. Therefore, it has been classified as a Variant of Uncertain Significance.